The following is an entry in ClinVar:

NM_001009944.3(PKD1):c.10573_10594dup (p.Gln3532fs)

Genes: PKD1 (polycystin 1, transient receptor potential channel interacting; minus strand), PKD1-AS1 (PKD1 antisense RNA 1; plus strand). Cytogenetic location: 16p13.3.
Variant type: Duplication.
Coding change: c.10573_10594dup on transcript NM_001009944.3 (MANE Select); coding-DNA positions 10573 to 10594, 22 bases duplicated (GGCCTGAACTGGGAACAGCCCC).
Protein change: p.Gln3532fs; shifts the reading frame from glutamine 3532.
Molecular consequence: frameshift variant.
Genome position (GRCh38, 1-based): chr16:2,094,116-2,094,137, GGGGCTGTTCCCAGTTCAGGCC duplicated on the plus strand (GGCCTGAACTGGGAACAGCCCC on the coding strand, the reverse complement: PKD1 is on the minus strand). VCF-style (leftmost placement, unchanged base first): chr16-2094115-T-TGGGGCTGTTCCCAGTTCAGGCC. GRCh37 (hg19) VCF-style: chr16-2144116-T-TGGGGCTGTTCCCAGTTCAGGCC.
Other names: c.10570_10591dup, p.Gln3531fs (NM_000296.4); short protein forms Q3531fs, Q3532fs.
Identifiers: ClinVar variation 3254844 (VCV003254844.1), dbSNP rs2544654195.
Genomic context (GRCh38, chr16:2,094,115, plus strand): 5'-GAGGGGCTAGGGGCATCCCGGGGCTACGCAAGCACACCTGTCCTGGACAGCCTCGCTGCC[T>TGGGGCTGTTCCCAGTTCAGGCC]GGGGCTGTTCCCAGTTCAGGCCTGGGCTGGGTGGCCCCAGCTCCCCCAGCCTCTGCAGCG-3'

ClinVar aggregate classification (germline): Pathogenic (1 of 4 stars; one submission).

Conditions:
Polycystic kidney disease, adult type (PKD1). Also called: Polycystic Kidney Disease 1, Autosomal Dominant; Polycystic kidney disease 1; Polycystic kidney disease 1, severe; POLYCYSTIC KIDNEY DISEASE 1 WITH OR WITHOUT POLYCYSTIC LIVER DISEASE; POLYCYSTIC KIDNEY DISEASE, ADULT, TYPE I; Polycystic Kidney, Autosomal Dominant. Identifiers: MedGen C3149841, MONDO:0008263, OMIM 173900.

Submission:

Victorian Clinical Genetics Services, Murdoch Childrens Research Institute
Classification: Pathogenic for Polycystic kidney disease, adult type. Last evaluated: 2023-07-16. Review status: criteria provided, single submitter. Criteria: ACMG Guidelines, 2015. Collection method: clinical testing. Allele origin: germline. Inheritance: Autosomal dominant inheritance. Affected: yes.
Comment: Based on the classification scheme VCGS_Germline_v1.3.4, this variant is classified as Pathogenic. Following criteria are met: 0102 - Loss of function is a known mechanism of disease in this gene and is associated with polycystic kidney disease 1 (MIM#173900). (I) 0107 - This gene is associated with autosomal dominant disease. Polycystic kidney disease 1 (MIM#173900) is predominantly caused by monoallelic variants, with rare reports of biallelic variants causing disease (OMIM). (I) 0201 - Variant is predicted to cause nonsense-mediated decay (NMD) and loss of protein (premature termination codon is located at least 54 nucleotides upstream of the final exon-exon junction). (SP) 0251 - This variant is heterozygous. (I) 0301 - Variant is absent from gnomAD (both v2 and v3). (SP) 0701 - Other NMD predicted variants comparable to the one identified in this case have very strong previous evidence for pathogenicity (ClinVar). (SP) 0807 - This variant has no previous evidence of pathogenicity. (I) 0905 - No published segregation evidence has been identified for this variant. (I) 1007 - No published functional evidence has been identified for this variant. (I) 1208 - Inheritance information for this variant is not currently available in this individual. (I) Legend: (SP) - Supporting pathogenic, (I) - Information, (SB) - Supporting benign